The following is an entry in ClinVar:

ClinVar aggregate classification (germline): Uncertain significance (1 of 4 stars; one submission).

Conditions:
Progressive familial heart block type IB (PFHB1B). Identifiers: Orphanet 871, MedGen C1970298, MONDO:0011474, OMIM 604559.

Allele frequency attached by ClinVar (database versions not stated): gnomAD 0.00001; gnomAD exomes 0.00001; TOPMed 0.00001; ExAC 0.00002.
gnomAD v4.1: 11 of 1,613,934 alleles (0.00068%); highest among the groups gnomAD compares: African/African-American, 0.004%; no homozygotes.

Submission:

Labcorp Genetics (formerly Invitae), Labcorp
Classification: Uncertain significance for Progressive familial heart block type IB. Last evaluated: 2025-04-27. Review status: criteria provided, single submitter. Criteria: Invitae Variant Classification Sherloc (09022015). Collection method: clinical testing. Allele origin: germline.
Comment: This sequence change replaces arginine, which is basic and polar, with histidine, which is basic and polar, at codon 632 of the TRPM4 protein (p.Arg632His). This variant is present in population databases (rs751491792, gnomAD 0.01%). This variant has not been reported in the literature in individuals affected with TRPM4-related conditions. ClinVar contains an entry for this variant (Variation ID: 1472056). An algorithm developed to predict the effect of missense changes on protein structure and function outputs the following: PolyPhen-2: "Benign". The histidine amino acid residue is found in multiple mammalian species, which suggests that this missense change does not adversely affect protein function. In summary, the available evidence is currently insufficient to determine the role of this variant in disease. Therefore, it has been classified as a Variant of Uncertain Significance.

NM_017636.4(TRPM4):c.1895G>A (p.Arg632His)

Gene: TRPM4 (transient receptor potential cation channel subfamily M member 4; plus strand). Cytogenetic location: 19q13.33.
Variant type: single nucleotide variant.
Coding change: c.1895G>A on transcript NM_017636.4 (MANE Select); coding-DNA position 1895, G replaced by A.
Protein change: p.Arg632His; replaces arginine 632 with histidine.
Molecular consequence: missense variant.
Genome position (GRCh38, 1-based): chr19:49,188,967, G>A. VCF-style: chr19-49188967-G-A. GRCh37 (hg19) VCF-style: chr19-49692224-G-A.
Other names: c.1895G>A, p.Arg632His (NM_001195227.2); c.1550G>A, p.Arg517His (NM_001321281.2); c.287G>A, p.Arg96His (NM_001321282.2); c.1373G>A, p.Arg458His (NM_001321283.2); c.833G>A, p.Arg278His (NM_001321285.2); short protein forms R458H, R278H, R96H, R517H, R632H.
Identifiers: ClinVar variation 1472056 (VCV001472056.8), dbSNP rs751491792, ClinGen allele CA9569378.